The following is an entry in ClinVar:

NM_001002010.5(NT5C3A):c.139-4T>G

Gene: NT5C3A (5'-nucleotidase, cytosolic IIIA; minus strand). Cytogenetic location: 7p14.3.
Variant type: single nucleotide variant.
Coding change: c.139-4T>G on transcript NM_001002010.5 (MANE Select); 4 bases into the intron before coding-DNA position 139, T replaced by G.
Molecular consequence: intron variant.
Genome position (GRCh38, 1-based): chr7:33,026,919, A>C on the plus strand (T>G on the coding strand, the complement: NT5C3A is on the minus strand). VCF-style: chr7-33026919-A-C. GRCh37 (hg19) VCF-style: chr7-33066531-A-C.
Other names: p.?; c.139-2811T>G (NM_001374335.1); c.139-4T>G (NM_001374338.1, NM_001002010.4); c.37-2811T>G (NM_001374339.1); c.37-4T>G (NM_001002009.3, NM_016489.14); c.1-4T>G (NM_001374336.1, NM_001374337.1, NM_001166118.3 and 1 more transcripts).
Identifiers: ClinVar variation 1330788 (VCV001330788.19), dbSNP rs72555736, ClinGen allele CA4213534.

ClinVar aggregate classification (germline): Benign/Likely benign. Review status: criteria provided, multiple submitters, no conflicts (2 of 4 stars). 3 submissions from 3 submitters: Benign (2); Likely benign (1). Last evaluated 2026-01-20.

Conditions:
Hemolytic anemia due to pyrimidine 5' nucleotidase deficiency (CNSHA8). Also called: HEMOLYTIC ANEMIA DUE TO P5N DEFICIENCY; HEMOLYTIC ANEMIA DUE TO UMPH1 DEFICIENCY; P5N DEFICIENCY; PYRIMIDINE 5-PRIME NUCLEOTIDASE DEFICIENCY, HEMOLYTIC ANEMIA DUE TO; UMPH1 DEFICIENCY. Identifiers: Orphanet 35120, MedGen C1849507, MONDO:0009946, OMIM 266120.

Allele frequency attached by ClinVar (database versions not stated): ExAC 0.00258; 1000 Genomes Project 0.00519; 1000 Genomes Project 30x 0.00625; gnomAD 0.00789 and 0.00862; ESP Exome Variant Server 0.00861; TOPMed 0.00946.

Submissions (3):

Labcorp Genetics (formerly Invitae), Labcorp
Classification: Benign. Last evaluated: 2026-01-20. Review status: criteria provided, single submitter. Criteria: Invitae Variant Classification Sherloc (09022015). Collection method: clinical testing. Allele origin: germline.

ARUP Laboratories, Molecular Genetics and Genomics, ARUP Laboratories
Classification: Benign for Hemolytic anemia due to pyrimidine 5' nucleotidase deficiency. Last evaluated: 2025-06-19. Review status: criteria provided, single submitter. Criteria: ARUP Molecular Germline Variant Investigation Process 2024. Collection method: clinical testing. Allele origin: germline.

Mayo Clinic Laboratories, Mayo Clinic
Classification: Likely benign. Last evaluated: 2025-04-17. Review status: criteria provided, single submitter. Criteria: ACMG Guidelines, 2015. Collection method: clinical testing. Allele origin: germline. Observed: 21 variant alleles.
Comment: BS2, BP4